The following is an entry in ClinVar:

ClinVar aggregate classification (germline): Conflicting classifications of pathogenicity. Review status: criteria provided, conflicting classifications (1 of 4 stars). 5 submissions from 5 submitters: Uncertain significance (3); Likely benign (2). Last evaluated 2025-01-24.

Conditions:
TSPEAR-related disorder. Also called: TSPEAR-related condition.
Autosomal recessive nonsyndromic hearing loss 98. Also called: Deafness, autosomal recessive 98. Identifiers: Orphanet 90636, MedGen C3553932, MONDO:0013929, OMIM 614861.

Allele frequency attached by ClinVar (database versions not stated): gnomAD exomes 0.00006 and 0.00015; 1000 Genomes Project 30x 0.00016; ExAC 0.00016; 1000 Genomes Project 0.00020; ESP Exome Variant Server 0.00038; gnomAD 0.00063 and 0.00067; TOPMed 0.00073.
gnomAD v4.1: 185 of 1,612,382 alleles (0.011%); highest among the groups gnomAD compares: African/African-American, 0.18%; 1 homozygote.

Submissions (5):

PreventionGenetics, part of Exact Sciences
Classification: Likely benign for TSPEAR-related condition. Last evaluated: 2025-01-24. Review status: criteria provided, single submitter. Criteria: ACMG Guidelines, 2015. Collection method: clinical testing. Allele origin: germline.
Comment: This variant is classified as likely benign based on ACMG/AMP sequence variant interpretation guidelines (Richards et al. 2015 PMID: 25741868, with internal and published modifications).

Labcorp Genetics (formerly Invitae), Labcorp
Classification: Uncertain significance. Last evaluated: 2022-10-03. Review status: criteria provided, single submitter. Criteria: Invitae Variant Classification Sherloc (09022015). Collection method: clinical testing. Allele origin: germline.
Comment: This sequence change replaces arginine, which is basic and polar, with tryptophan, which is neutral and slightly polar, at codon 122 of the TSPEAR protein (p.Arg122Trp). This variant is present in population databases (rs146257403, gnomAD 0.2%). This variant has not been reported in the literature in individuals affected with TSPEAR-related conditions. ClinVar contains an entry for this variant (Variation ID: 229377). Advanced modeling of protein sequence and biophysical properties (such as structural, functional, and spatial information, amino acid conservation, physicochemical variation, residue mobility, and thermodynamic stability) performed at Invitae indicates that this missense variant is not expected to disrupt TSPEAR protein function. In summary, the available evidence is currently insufficient to determine the role of this variant in disease. Therefore, it has been classified as a Variant of Uncertain Significance.

GeneDx
Classification: Likely benign. Last evaluated: 2020-08-26. Review status: criteria provided, single submitter. Criteria: GeneDx Variant Classification Process June 2021. Collection method: clinical testing. Allele origin: germline. Affected: yes.

Knight Diagnostic Laboratories, Oregon Health and Sciences University
Classification: Uncertain significance for Deafness, autosomal recessive 98. Last evaluated: 2019-07-08. Review status: criteria provided, single submitter. Criteria: ACMG Guidelines, 2015. Collection method: clinical testing. Allele origin: germline. Observed: 1 variant allele.

Laboratory for Molecular Medicine, Mass General Brigham Personalized Medicine
Classification: Uncertain significance. Last evaluated: 2015-05-27. Review status: criteria provided, single submitter. Criteria: LMM Criteria. Collection method: clinical testing. Allele origin: germline. Observed: 1 variant allele.
Comment: Variant classified as Uncertain Significance - Favor Benign. The p.Arg122Trp var iant in TSPEAR has not been previously reported in individuals with hearing loss . This variant has been identified in 0.15% (14/9534) of African chromosomes by the Exome Aggregation Consortium (ExAC; dbSNP rs 146257403). Computational prediction tools and conservation analyses do not pro vide strong support for or against an impact to the protein In summary, while th e clinical significance of the p.Arg122Trp variant is uncertain, the frequency d ata suggests that it is more likely to be benign.

NM_144991.3(TSPEAR):c.364C>T (p.Arg122Trp)

Gene: TSPEAR (thrombospondin type laminin G domain and EAR repeats; minus strand). Cytogenetic location: 21q22.3.
Variant type: single nucleotide variant.
Coding change: c.364C>T on transcript NM_144991.3 (MANE Select); coding-DNA position 364, C replaced by T.
Protein change: p.Arg122Trp; replaces arginine 122 with tryptophan.
Molecular consequence: missense variant.
Genome position (GRCh38, 1-based): chr21:44,533,863, G>A on the plus strand (C>T on the coding strand, the complement: TSPEAR is on the minus strand). VCF-style: chr21-44533863-G-A. GRCh37 (hg19) VCF-style: chr21-45953746-G-A.
Other names: c.160C>T, p.Arg54Trp (NM_001272037.2); short protein forms R122W, R54W.
Identifiers: ClinVar variation 229377 (VCV000229377.14), dbSNP rs146257403, ClinGen allele CA10057042.